The following is an entry in ClinVar:

NM_000507.4(FBP1):c.740dup (p.Ser248fs)

Gene: FBP1 (fructose-bisphosphatase 1; minus strand). Cytogenetic location: 9q22.32.
Variant type: Duplication.
Coding change: c.740dup on transcript NM_000507.4 (MANE Select); coding-DNA position 740, one base duplicated (G; older notation c.740dupG).
Protein change: p.Ser248fs; shifts the reading frame from serine 248.
Molecular consequence: frameshift variant.
Genome position (GRCh38, 1-based): chr9:94,605,542, C duplicated on the plus strand (G on the coding strand, the reverse complement: FBP1 is on the minus strand); the first of 3 consecutive C bases (chr9:94,605,542-94,605,544); duplicating any one gives the same sequence. VCF-style (leftmost placement, unchanged base first): chr9-94605541-G-GC. GRCh37 (hg19) VCF-style: chr9-97367823-G-GC.
Other names: c.740dup, p.Ser248fs (NM_001127628.2); short protein forms S248fs.
Identifiers: ClinVar variation 2832764 (VCV002832764.3), dbSNP rs2538930006, ClinGen allele CA2739269402.

ClinVar aggregate classification (germline): Pathogenic (1 of 4 stars; one submission).

Conditions:
Fructose-biphosphatase deficiency (FBP1D). Also called: Fructose-1,6-Diphosphatase Deficiency; Fructose 1,6 Bisphosphatase Deficiency; Fructose-1,6-Bisphosphatase 1 Deficiency. Identifiers: Orphanet 348, MedGen C0016756, MONDO:0009251, OMIM 229700.

Submission:

Labcorp Genetics (formerly Invitae), Labcorp
Classification: Pathogenic for Fructose-biphosphatase deficiency. Last evaluated: 2023-01-29. Review status: criteria provided, single submitter. Criteria: Invitae Variant Classification Sherloc (09022015). Collection method: clinical testing. Allele origin: germline.
Comment: This sequence change creates a premature translational stop signal (p.Ser248Leufs*5) in the FBP1 gene. It is expected to result in an absent or disrupted protein product. Loss-of-function variants in FBP1 are known to be pathogenic (PMID: 9382095, 19259699, 27101822). This variant is not present in population databases (gnomAD no frequency). For these reasons, this variant has been classified as Pathogenic. This variant has not been reported in the literature in individuals affected with FBP1-related conditions.

Literature cited by the submitters: PubMed 9382095; PubMed 19259699; PubMed 27101822.